The following is an entry in ClinVar:

NM_000552.5(VWF):c.3967G>A (p.Asp1323Asn)

Gene: VWF (von Willebrand factor; minus strand). Cytogenetic location: 12p13.31.
Variant type: single nucleotide variant.
Coding change: c.3967G>A on transcript NM_000552.5 (MANE Select); coding-DNA position 3967, G replaced by A.
Protein change: p.Asp1323Asn; replaces aspartic acid 1323 with asparagine.
Molecular consequence: missense variant.
Genome position (GRCh38, 1-based): chr12:6,019,451, C>T on the plus strand (G>A on the coding strand, the complement: VWF is on the minus strand). VCF-style: chr12-6019451-C-T. GRCh37 (hg19) VCF-style: chr12-6128617-C-T.
Other names: short protein forms D1323N.
Identifiers: ClinVar variation 2593997 (VCV002593997.4), dbSNP rs369628563, ClinGen allele CA6402641.

ClinVar aggregate classification (germline): Uncertain significance. Review status: criteria provided, multiple submitters, no conflicts (2 of 4 stars). 3 submissions from 3 submitters: Uncertain significance (3). Last evaluated 2025-10-31.

Conditions:
Inborn genetic diseases. Identifiers: MedGen C0950123, MeSH D030342.

Allele frequency attached by ClinVar (database versions not stated): gnomAD 0.00001; gnomAD exomes 0.00001; ExAC 0.00002; ESP Exome Variant Server 0.00008.
gnomAD v4.1: 13 of 1,613,790 alleles (0.00081%); highest among the groups gnomAD compares: Middle Eastern, 0.049%; no homozygotes.

Submissions (3):

Women's Health and Genetics/Laboratory Corporation of America, LabCorp
Classification: Uncertain significance. Last evaluated: 2025-10-31. Review status: criteria provided, single submitter. Criteria: LabCorp Variant Classification Summary - May 2015. Collection method: clinical testing. Allele origin: germline.
Comment: Variant summary: VWF c.3967G>A (p.Asp1323Asn) results in a conservative amino acid change in the encoded protein sequence. Algorithms developed to predict the effect of missense changes on protein structure and function are either unavailable or do not agree on the potential impact of this missense change. The variant allele was found at a frequency of 2e-05 in 250718 control chromosomes. The available data on variant occurrences in the general population are insufficient to allow any conclusion about variant significance. To our knowledge, no occurrence of c.3967G>A in individuals affected with VWF-related conditions and no experimental evidence demonstrating its impact on protein function have been reported. ClinVar contains an entry for this variant (Variation ID: 2593997). Based on the evidence outlined above, the variant was classified as uncertain significance.

Ambry Genetics
Classification: Uncertain significance for Inborn genetic diseases. Last evaluated: 2023-06-29. Review status: criteria provided, single submitter. Criteria: Ambry Variant Classification Scheme 2023. Collection method: clinical testing. Allele origin: germline.

Blueprint Genetics
Classification: Uncertain significance. Last evaluated: 2019-02-12. Review status: criteria provided, single submitter. Criteria: ACMG Guidelines, 2015. Collection method: clinical testing. Allele origin: germline.